The following is an entry in ClinVar:

ClinVar aggregate classification (germline): Uncertain significance (1 of 4 stars; one submission).

Conditions:
Hereditary cancer-predisposing syndrome. Also called: Hereditary neoplastic syndrome; Neoplastic Syndromes, Hereditary; Tumor predisposition; Hereditary Cancer Syndrome. Identifiers: Orphanet 140162, MedGen C0027672, MeSH D009386, MONDO:0015356.

Submission:

Ambry Genetics
Classification: Uncertain significance for Hereditary cancer-predisposing syndrome. Last evaluated: 2024-12-29. Review status: criteria provided, single submitter. Criteria: Ambry Variant Classification Scheme 2023. Collection method: clinical testing. Allele origin: germline.
Comment: The p.K141R variant (also known as c.422A>G), located in coding exon 4 of the BRIP1 gene, results from an A to G substitution at nucleotide position 422. The lysine at codon 141 is replaced by arginine, an amino acid with highly similar properties. This amino acid position is conserved. In addition, this alteration is predicted to be tolerated by in silico analysis. Based on the available evidence, the clinical significance of this variant remains unclear.

NM_032043.3(BRIP1):c.422A>G (p.Lys141Arg)

Gene: BRIP1 (BRCA1 interacting DNA helicase 1; minus strand). Cytogenetic location: 17q23.2.
Variant type: single nucleotide variant.
Coding change: c.422A>G on transcript NM_032043.3 (MANE Select); coding-DNA position 422, A replaced by G.
Protein change: p.Lys141Arg; replaces lysine 141 with arginine.
Molecular consequence: missense variant.
Genome position (GRCh38, 1-based): chr17:61,849,214, T>C on the plus strand (A>G on the coding strand, the complement: BRIP1 is on the minus strand). VCF-style: chr17-61849214-T-C. GRCh37 (hg19) VCF-style: chr17-59926575-T-C.
Other names: short protein forms K141R.
Identifiers: ClinVar variation 3825671 (VCV003825671.1).